The following is an entry in ClinVar:

ClinVar aggregate classification (germline): Uncertain significance (1 of 4 stars; one submission).

Conditions:
Perlman syndrome (PRLMNS). Identifiers: Orphanet 2849, MedGen C0796113, MONDO:0009965, OMIM 267000.

Submission:

Labcorp Genetics (formerly Invitae), Labcorp
Classification: Uncertain significance for Perlman syndrome. Last evaluated: 2022-09-30. Review status: criteria provided, single submitter. Criteria: Invitae Variant Classification Sherloc (09022015). Collection method: clinical testing. Allele origin: germline.
Comment: ClinVar contains an entry for this variant (Variation ID: 1423549). This sequence change replaces proline, which is neutral and non-polar, with serine, which is neutral and polar, at codon 32 of the DIS3L2 protein (p.Pro32Ser). This variant is not present in population databases (gnomAD no frequency). This variant has not been reported in the literature in individuals affected with DIS3L2-related conditions. Algorithms developed to predict the effect of missense changes on protein structure and function (SIFT, PolyPhen-2, Align-GVGD) all suggest that this variant is likely to be tolerated. In summary, the available evidence is currently insufficient to determine the role of this variant in disease. Therefore, it has been classified as a Variant of Uncertain Significance.

NM_152383.5(DIS3L2):c.94C>T (p.Pro32Ser)

Gene: DIS3L2 (DIS3 like 3'-5' exoribonuclease 2; plus strand). Cytogenetic location: 2q37.1.
Variant type: single nucleotide variant.
Coding change: c.94C>T on transcript NM_152383.5 (MANE Select); coding-DNA position 94, C replaced by T.
Protein change: p.Pro32Ser; replaces proline 32 with serine.
Molecular consequence: missense variant. On other transcripts: non-coding transcript variant (2).
Genome position (GRCh38, 1-based): chr2:232,015,555, C>T. VCF-style: chr2-232015555-C-T. GRCh37 (hg19) VCF-style: chr2-232880265-C-T.
Other names: c.94C>T, p.Pro32Ser (NM_001257281.2, NM_001257282.2); short protein forms P32S.
Identifiers: ClinVar variation 1423549 (VCV001423549.6), dbSNP rs2106221628, ClinGen allele CA351151885.